The following is an entry in ClinVar:

NM_004104.5(FASN):c.4124A>T (p.Asp1375Val)

Gene: FASN (fatty acid synthase; minus strand). Cytogenetic location: 17q25.3.
Variant type: single nucleotide variant.
Coding change: c.4124A>T on transcript NM_004104.5 (MANE Select); coding-DNA position 4124, A replaced by T.
Protein change: p.Asp1375Val; replaces aspartic acid 1375 with valine.
Molecular consequence: missense variant.
Genome position (GRCh38, 1-based): chr17:82,085,401, T>A on the plus strand (A>T on the coding strand, the complement: FASN is on the minus strand). VCF-style: chr17-82085401-T-A. GRCh37 (hg19) VCF-style: chr17-80043277-T-A.
Other names: short protein forms D1375V.
Identifiers: ClinVar variation 2895821 (VCV002895821.3), dbSNP rs911657546, ClinGen allele CA295129995.

ClinVar aggregate classification (germline): Uncertain significance (1 of 4 stars; one submission).

Conditions:
Epileptic encephalopathy. Identifiers: MedGen C0543888, HP:0200134.

Allele frequency attached by ClinVar (database versions not stated): gnomAD exomes below 0.00001; gnomAD 0.00001.
gnomAD v4.1: 6 of 1,609,820 alleles (0.00037%); highest among the groups gnomAD compares: African/African-American, 0.0013%; no homozygotes.

Submission:

Labcorp Genetics (formerly Invitae), Labcorp
Classification: Uncertain significance for Epileptic encephalopathy. Last evaluated: 2023-03-29. Review status: criteria provided, single submitter. Criteria: Invitae Variant Classification Sherloc (09022015). Collection method: clinical testing. Allele origin: germline.
Comment: In summary, the available evidence is currently insufficient to determine the role of this variant in disease. Therefore, it has been classified as a Variant of Uncertain Significance. An algorithm developed to predict the effect of missense changes on protein structure and function (PolyPhen-2) suggests that this variant is likely to be tolerated. This variant has not been reported in the literature in individuals affected with FASN-related conditions. This variant is not present in population databases (gnomAD no frequency). This sequence change replaces aspartic acid, which is acidic and polar, with valine, which is neutral and non-polar, at codon 1375 of the FASN protein (p.Asp1375Val).